The following is an entry in ClinVar:

NM_198253.3(TERT):c.1117C>T (p.Pro373Ser)

Gene: TERT (telomerase reverse transcriptase; minus strand). Cytogenetic location: 5p15.33.
Variant type: single nucleotide variant.
Coding change: c.1117C>T on transcript NM_198253.3 (MANE Select); coding-DNA position 1117, C replaced by T.
Protein change: p.Pro373Ser; replaces proline 373 with serine.
Molecular consequence: missense variant. On other transcripts: non-coding transcript variant (2).
Genome position (GRCh38, 1-based): chr5:1,293,769, G>A on the plus strand (C>T on the coding strand, the complement: TERT is on the minus strand). VCF-style: chr5-1293769-G-A. GRCh37 (hg19) VCF-style: chr5-1293884-G-A.
Other names: c.1117C>T, p.Pro373Ser (NM_001193376.3); short protein forms P373S.
Identifiers: ClinVar variation 848496 (VCV000848496.9), dbSNP rs1751162009, ClinGen allele CA359055472.
Genomic context (GRCh38, chr5:1,293,769, plus strand): 5'-ACAGGGGCCGCATTTGCCAGTAGCGCTGGGGCAGGCGGGGCAACCTGCGGGGAGTCCCTG[G>A]CATCCAGGGCCTGGAACCCAGAAAGATGGTCTCCACGAGCCTCCGAGCGCCAGTCAGGCT-3'
Protein context (NP_937983.2, residues 363-383): TIFLGSRPWM[Pro373Ser]GTPRRLPRLP

ClinVar aggregate classification (germline): Uncertain significance. Review status: criteria provided, multiple submitters, no conflicts (2 of 4 stars). 2 submissions from 2 submitters: Uncertain significance (2). Last evaluated 2025-09-02.

Conditions:
Idiopathic Pulmonary Fibrosis. Also called: Idiopathic fibrosing alveolitis, chronic form; idiopathic fibrosing alveolitis. Identifiers: Orphanet 2032, MedGen C1800706, MeSH D054990, MONDO:0800504.
Dyskeratosis congenita, autosomal dominant 2. Identifiers: MedGen C3151443, MONDO:0013521, OMIM 613989.
Dyskeratosis congenita. Identifiers: Orphanet 1775, MedGen C0265965, MONDO:0015780.

Allele frequency attached by ClinVar (database versions not stated): gnomAD exomes below 0.00001.
gnomAD v4.1: 6 of 1,555,138 alleles (0.00039%); highest among the groups gnomAD compares: Middle Eastern, 0.017%; 1 homozygote.

Submissions (2):

Labcorp Genetics (formerly Invitae), Labcorp
Classification: Uncertain significance for Dyskeratosis congenita, autosomal dominant 2; Idiopathic Pulmonary Fibrosis. Last evaluated: 2025-09-02. Review status: criteria provided, single submitter. Criteria: Invitae Variant Classification Sherloc (09022015). Collection method: clinical testing. Allele origin: germline.
Comment: This sequence change replaces proline, which is neutral and non-polar, with serine, which is neutral and polar, at codon 373 of the TERT protein (p.Pro373Ser). This variant is not present in population databases (gnomAD no frequency). This variant has not been reported in the literature in individuals affected with TERT-related conditions. ClinVar contains an entry for this variant (Variation ID: 848496). Invitae Evidence Modeling of protein sequence and biophysical properties (such as structural, functional, and spatial information, amino acid conservation, physicochemical variation, residue mobility, and thermodynamic stability) indicates that this missense variant is not expected to disrupt TERT protein function with a negative predictive value of 95%. In summary, the available evidence is currently insufficient to determine the role of this variant in disease. Therefore, it has been classified as a Variant of Uncertain Significance.

Ambry Genetics
Classification: Uncertain significance for Dyskeratosis congenita. Last evaluated: 2023-05-21. Review status: criteria provided, single submitter. Criteria: Ambry Variant Classification Scheme 2023. Collection method: clinical testing. Allele origin: germline.
Comment: The p.P373S variant (also known as c.1117C>T), located in coding exon 2 of the TERT gene, results from a C to T substitution at nucleotide position 1117. The proline at codon 373 is replaced by serine, an amino acid with similar properties. This amino acid position is conserved. In addition, this alteration is predicted to be tolerated by in silico analysis. Since supporting evidence is limited at this time, the clinical significance of this alteration remains unclear.